The following is an entry in ClinVar:

ClinVar aggregate classification (germline): Uncertain significance (1 of 4 stars; one submission).

Submission:

MVZ Dr. Eberhard & Partner Dortmund
Classification: Uncertain significance. Last evaluated: 2022-02-28. Review status: criteria provided, single submitter. Criteria: ACMG Guidelines, 2015. Collection method: clinical testing. Allele origin: unknown. Observed: 1 heterozygote.
Comment: This sequence change of A to C leads to substitution of Proline with Glutamine at position 176 in the protein. Therefore it probably leads to a change within the DNA binding site (POUS; amino acid 90-185) but not at an amino acid involved in DNA binding (see also Lu et al. PMID: 17924661). The variant has not been reported in literature, specific mutation databases or in controls in Exome Sequencing Project, 1000 Genomes Project and the Genome Aggregation Database. Furthermore, multiple computational programs suggest a deleterious effect for this variant. This variant is considered to be a variant of uncertain significance according to the ACMG guidelines.

NM_000458.4(HNF1B):c.527A>C (p.Gln176Pro)

Gene: HNF1B (HNF1 homeobox B; minus strand). Cytogenetic location: 17q12.
Variant type: single nucleotide variant.
Coding change: c.527A>C on transcript NM_000458.4 (MANE Select); coding-DNA position 527, A replaced by C.
Protein change: p.Gln176Pro; replaces glutamine 176 with proline.
Molecular consequence: missense variant.
Genome position (GRCh38, 1-based): chr17:37,739,457, T>G on the plus strand (A>C on the coding strand, the complement: HNF1B is on the minus strand). VCF-style: chr17-37739457-T-G. GRCh37 (hg19) VCF-style: chr17-36099448-T-G.
Other names: c.527A>C, p.Gln176Pro (NM_001165923.4, NM_001304286.2); short protein forms Q176P.
Identifiers: ClinVar variation 1676820 (VCV001676820.2), dbSNP rs2147574779, ClinGen allele CA398751085.